The following is an entry in ClinVar:

NM_004360.5(CDH1):c.288C>T (p.Ile96=)

Gene: CDH1 (cadherin 1; plus strand). Cytogenetic location: 16q22.1.
Variant type: single nucleotide variant.
Coding change: c.288C>T on transcript NM_004360.5 (MANE Select); coding-DNA position 288, C replaced by T.
Protein change: p.Ile96=; no amino-acid change (isoleucine 96 retained).
Molecular consequence: synonymous variant. On other transcripts: 5 prime UTR variant (2).
Genome position (GRCh38, 1-based): chr16:68,801,794, C>T. VCF-style: chr16-68801794-C-T. GRCh37 (hg19) VCF-style: chr16-68835697-C-T.
Other names: c.288C>T, p.Ile96= (NM_001317184.2); c.-1328C>T (NM_001317185.2); c.-1532C>T (NM_001317186.2); c.288C>T (NM_004360.3).
Identifiers: ClinVar variation 628551 (VCV000628551.4), dbSNP rs768648027, ClinGen allele CA496152667.

ClinVar aggregate classification (germline): Benign/Likely benign. Review status: criteria provided, multiple submitters, no conflicts (2 of 4 stars). 3 submissions from 3 submitters: Benign (1); Likely benign (2). Last evaluated 2026-05-03.

Conditions:
Hereditary cancer-predisposing syndrome. Also called: Tumor predisposition; Hereditary Cancer Syndrome; Neoplastic Syndromes, Hereditary; Hereditary neoplastic syndrome. Identifiers: Orphanet 140162, MedGen C0027672, MeSH D009386, MONDO:0015356.
Hereditary diffuse gastric adenocarcinoma (HDGC). Also called: DIFFUSE GASTRIC AND LOBULAR BREAST CANCER SYNDROME. Identifiers: Orphanet 26106, MedGen C1708349, MONDO:0007648, OMIM 137215.

Allele frequency attached by ClinVar (database versions not stated): TOPMed below 0.00001.

Submissions (3):

Ambry Genetics
Classification: Likely benign for Hereditary cancer-predisposing syndrome. Last evaluated: 2026-05-03. Review status: criteria provided, single submitter. Criteria: Ambry Variant Classification Scheme 2023. Collection method: clinical testing. Allele origin: germline.

Myriad Genetics, Inc.
Classification: Benign for Hereditary diffuse gastric adenocarcinoma. Last evaluated: 2024-09-12. Review status: criteria provided, single submitter. Criteria: Myriad Autosomal Dominant, Autosomal Recessive and X-Linked Classification Criteria (2023). Collection method: clinical testing. Allele origin: unknown.
Comment: This variant is considered benign. This variant is a silent/synonymous amino acid change and it is not expected to impact splicing.

Color Diagnostics, LLC DBA Color Health
Classification: Likely benign for Hereditary cancer-predisposing syndrome. Last evaluated: 2018-06-07. Review status: criteria provided, single submitter. Criteria: ACMG Guidelines, 2015. Collection method: clinical testing. Allele origin: germline.